The following is an entry in ClinVar:

NM_000038.6(APC):c.339T>G (p.Val113=)

Gene: APC (APC regulator of Wnt signaling pathway; plus strand). Cytogenetic location: 5q22.2.
Variant type: single nucleotide variant.
Coding change: c.339T>G on transcript NM_000038.6 (MANE Select); coding-DNA position 339, T replaced by G.
Protein change: p.Val113=; no amino-acid change (valine 113 retained).
Molecular consequence: synonymous variant. On other transcripts: 5 prime UTR variant (4), non-coding transcript variant (2).
Genome position (GRCh38, 1-based): chr5:112,767,307, T>G. VCF-style: chr5-112767307-T-G. GRCh37 (hg19) VCF-style: chr5-112103004-T-G.
Other names: c.339T>G, p.Val113= (NM_001127510.3, NM_001354895.2, NM_001354896.2 and 16 more transcripts); c.369T>G, p.Val123= (NM_001127511.3, NM_001354897.2, NM_001354902.2 and 1 more transcripts); c.264T>G, p.Val88= (NM_001354898.2, NM_001354904.2, NM_001407451.1); c.162T>G, p.Val54= (NM_001354900.2, NM_001354901.2, NM_001354905.2 and 1 more transcripts); c.-697T>G (NM_001354906.2, NM_001407470.1, NM_001407471.1 and 1 more transcripts).
Identifiers: ClinVar variation 3148175 (VCV003148175.1), dbSNP rs2532298032, ClinGen allele CA445753355.
Genomic context (GRCh38, chr5:112,767,307, plus strand): 5'-CCGTTCTTATGGAAGCCGGGAAGGATCTGTATCAAGCCGTTCTGGAGAGTGCAGTCCTGT[T>G]CCTATGGGTTCATTTCCAAGAAGAGGGTTTGTAAATGGAAGCAGAGAAAGTACTGGATAT-3'
Protein context (NP_000029.2, residues 103-123): VSSRSGECSP[Val113=]PMGSFPRRGF

ClinVar aggregate classification (germline): Benign (1 of 4 stars; one submission).

Conditions:
Familial adenomatous polyposis 1 (FAP1). Also called: POLYPOSIS, ADENOMATOUS INTESTINAL; FAMILIAL ADENOMATOUS POLYPOSIS 1, ATTENUATED. Identifiers: MedGen C2713442, MONDO:0021056, OMIM 175100. Disease mechanism: loss of function.

Submission:

Myriad Genetics, Inc.
Classification: Benign for Familial adenomatous polyposis 1. Last evaluated: 2024-02-22. Review status: criteria provided, single submitter. Criteria: Myriad Autosomal Dominant, Autosomal Recessive and X-Linked Classification Criteria (2023). Collection method: clinical testing. Allele origin: unknown.
Comment: This variant is considered benign. This variant is a silent/synonymous amino acid change and it is not expected to impact splicing.